The following is an entry in ClinVar:

ClinVar aggregate classification (germline): Uncertain significance (1 of 4 stars; one submission).

Conditions:
Catecholaminergic polymorphic ventricular tachycardia 1. Also called: VENTRICULAR TACHYCARDIA, CATECHOLAMINERGIC POLYMORPHIC, 1, WITH OR WITHOUT ATRIAL DYSFUNCTION AND/OR DILATED CARDIOMYOPATHY; VENTRICULAR TACHYCARDIA, STRESS-INDUCED POLYMORPHIC 1; RYR2-Related Catecholaminergic Polymorphic Ventricular Tachycardia. Identifiers: Orphanet 3286, MedGen C1631597, MONDO:0011484, OMIM 604772.

Submission:

Labcorp Genetics (formerly Invitae), Labcorp
Classification: Uncertain significance for Catecholaminergic polymorphic ventricular tachycardia 1. Last evaluated: 2024-01-07. Review status: criteria provided, single submitter. Criteria: Invitae Variant Classification Sherloc (09022015). Collection method: clinical testing. Allele origin: germline.
Comment: This sequence change affects codon 3433 of the RYR2 mRNA. It is a 'silent' change, meaning that it does not change the encoded amino acid sequence of the RYR2 protein. This variant is not present in population databases (gnomAD no frequency). This variant has not been reported in the literature in individuals affected with RYR2-related conditions. Algorithms developed to predict the effect of sequence changes on RNA splicing suggest that this variant may disrupt the consensus splice site. In summary, the available evidence is currently insufficient to determine the role of this variant in disease. Therefore, it has been classified as a Variant of Uncertain Significance.

NM_001035.3(RYR2):c.10299T>A (p.Thr3433=)

Gene: RYR2 (ryanodine receptor 2; plus strand). Cytogenetic location: 1q43.
Variant type: single nucleotide variant.
Coding change: c.10299T>A on transcript NM_001035.3 (MANE Select); coding-DNA position 10299, T replaced by A.
Protein change: p.Thr3433=; no amino-acid change (threonine 3433 retained).
Molecular consequence: synonymous variant.
Genome position (GRCh38, 1-based): chr1:237,711,813, T>A. VCF-style: chr1-237711813-T-A. GRCh37 (hg19) VCF-style: chr1-237875113-T-A.
Identifiers: ClinVar variation 2708129 (VCV002708129.3), dbSNP rs2547427516, ClinGen allele CA423819662.